The following is an entry in ClinVar:

ClinVar aggregate classification (germline): Likely pathogenic (0 of 4 stars; one submission).

Conditions:
Autosomal recessive ataxia, Beauce type. Also called: Spinocerebellar ataxia, autosomal recessive 8; ATAXIA, RECESSIVE, OF BEAUCE; SYNE1 Deficiency; SYNE1-Related Autosomal Recessive Cerebellar Ataxia. Identifiers: Orphanet 88644, MedGen C1853116, MONDO:0012549, OMIM 610743.

Submission:

Solve-RD Consortium
Classification: Likely pathogenic for Autosomal recessive ataxia, Beauce type. Last evaluated: 2022-06-01. Review status: no assertion criteria provided. Collection method: provider interpretation. Allele origin: inherited. Affected: yes.
Comment: Variant confirmed as disease-causing by referring clinical team

Variant identified during reanalysis of unsolved cases by the Solve-RD project. The Solve-RD project has received funding from the European Union’s Horizon 2020 research and innovation programme under grant agreement No 779257.

Literature cited by the submitters: PubMed 39825153.

NM_182961.4(SYNE1):c.22045-2A>G

Gene: SYNE1 (spectrin repeat containing nuclear envelope protein 1; minus strand). Cytogenetic location: 6q25.2.
Variant type: single nucleotide variant.
Coding change: c.22045-2A>G on transcript NM_182961.4 (MANE Select); the canonical splice acceptor site of the intron before coding-DNA position 22045, A replaced by G.
Molecular consequence: splice acceptor variant.
Genome position (GRCh38, 1-based): chr6:152,218,405, T>C on the plus strand (A>G on the coding strand, the complement: SYNE1 is on the minus strand). VCF-style: chr6-152218405-T-C. GRCh37 (hg19) VCF-style: chr6-152539540-T-C.
Other names: c.21832-2A>G (NM_033071.5).
Identifiers: ClinVar variation 3256785 (VCV003256785.1).